The following is an entry in ClinVar:

ClinVar aggregate classification (germline): Pathogenic/Likely pathogenic. Review status: criteria provided, multiple submitters, no conflicts (2 of 4 stars). 4 submissions from 4 submitters: Pathogenic (3); Likely pathogenic (1). Last evaluated 2025-07-11.

Conditions:
COL1A1-related disorder. Also called: COL1A1- related disease; COL1A1-related condition.
Osteogenesis imperfecta type I (OI1). Also called: OI, TYPE I; OSTEOGENESIS IMPERFECTA TARDA; OSTEOGENESIS IMPERFECTA WITH BLUE SCLERAE; Osteogenesis imperfecta type 1; Lobstein's Disease; Lobstein disease. Identifiers: Orphanet 216796, Orphanet 666, MedGen C0023931, MONDO:0008146, OMIM 166200. Disease mechanism: loss of function.

Submissions (4):

Dasa
Classification: Pathogenic. Last evaluated: 2025-07-11. Review status: criteria provided, single submitter. Criteria: DASA Assertion Criteria. Collection method: clinical testing. Allele origin: germline.
Comment: NM_000088.4(COL1A1):c.3806G>A (p.Trp1269*) introduces a premature termination codon predicted to result in loss of normal protein function. Loss-of-function is an established mechanism of disease for this gene. This variant has been reported in individuals with related phenotype (PMID: 16786509). The variant is present at low frequency in population datasets. Based on the available data, this variant is classified as pathogenic.

Labcorp Genetics (formerly Invitae), Labcorp
Classification: Pathogenic for Osteogenesis imperfecta type I. Last evaluated: 2021-04-03. Review status: criteria provided, single submitter. Criteria: Invitae Variant Classification Sherloc (09022015). Collection method: clinical testing. Allele origin: germline.
Comment: For these reasons, this variant has been classified as Pathogenic. Algorithms developed to predict the effect of sequence changes on RNA splicing suggest that this variant may create or strengthen a splice site, but this prediction has not been confirmed by published transcriptional studies. This variant has been observed in individual(s) with osteogenesis imperfecta (PMID: 16786509). This variant is not present in population databases (ExAC no frequency). This sequence change creates a premature translational stop signal (p.Trp1269*) in the COL1A1 gene. It is expected to result in an absent or disrupted protein product. Loss-of-function variants in COL1A1 are known to be pathogenic (PMID: 7942841, 9295084, 9443882).

Blueprint Genetics
Classification: Likely pathogenic for COL1A1-related disorders. Last evaluated: 2018-08-21. Review status: criteria provided, single submitter. Criteria: ACMG Guidelines, 2015. Collection method: clinical testing. Allele origin: germline. Affected: yes. Observed: 1 variant allele.

Clinical Genetics Service, Universitary Hospital 12 de Octubre
Classification: Pathogenic for Osteogenesis imperfecta type I. Review status: criteria provided, single submitter. Criteria: ACMG Guidelines, 2015. Collection method: clinical testing. Allele origin: germline. Affected: yes.

Literature cited by the submitters: PubMed 16786509 (cited by Dasa and Labcorp Genetics (formerly Invitae), Labcorp); PubMed 7942841 (cited by Labcorp Genetics (formerly Invitae), Labcorp); PubMed 9295084 (cited by Labcorp Genetics (formerly Invitae), Labcorp); PubMed 9443882 (cited by Labcorp Genetics (formerly Invitae), Labcorp).

NM_000088.4(COL1A1):c.3806G>A (p.Trp1269Ter)

Gene: COL1A1 (collagen type I alpha 1 chain; minus strand). Cytogenetic location: 17q21.33.
Variant type: single nucleotide variant.
Coding change: c.3806G>A on transcript NM_000088.4 (MANE Select); coding-DNA position 3806, G replaced by A.
Protein change: p.Trp1269Ter; replaces tryptophan 1269 with a stop codon.
Molecular consequence: nonsense.
Genome position (GRCh38, 1-based): chr17:50,186,648, C>T on the plus strand (G>A on the coding strand, the complement: COL1A1 is on the minus strand). VCF-style: chr17-50186648-C-T. GRCh37 (hg19) VCF-style: chr17-48264009-C-T.
Other names: short protein forms W1269*.
Identifiers: ClinVar variation 1224330 (VCV001224330.12), dbSNP rs72656341, ClinGen allele CA291542865.